The following is an entry in ClinVar:

NM_000901.5(NR3C2):c.*2088G>A

Gene: NR3C2 (nuclear receptor subfamily 3 group C member 2; minus strand). Cytogenetic location: 4q31.23.
Variant type: single nucleotide variant.
Coding change: c.*2088G>A on transcript NM_000901.5 (MANE Select); 2088 bases downstream of the stop codon, G replaced by A.
Molecular consequence: 3 prime UTR variant. On other transcripts: non-coding transcript variant (1).
Genome position (GRCh38, 1-based): chr4:148,079,256, C>T on the plus strand (G>A on the coding strand, the complement: NR3C2 is on the minus strand). VCF-style: chr4-148079256-C-T. GRCh37 (hg19) VCF-style: chr4-149000407-C-T.
Other names: c.*2088G>A (NM_001166104.2, NM_001354819.1).
Identifiers: ClinVar variation 347679 (VCV000347679.5), dbSNP rs145711262, ClinGen allele CA10620162.

ClinVar aggregate classification (germline): Benign (1 of 4 stars; one submission).

Conditions:
Autosomal dominant pseudohypoaldosteronism type 1. Also called: Pseudohypoaldosteronism, Type I, Autosomal Dominant; PHA I, AUTOSOMAL DOMINANT; Pseudohypoaldosteronism, Type I, Dominant. Identifiers: Orphanet 171871, Orphanet 756, MedGen C1449842, MONDO:0008329, OMIM 177735.

Allele frequency attached by ClinVar (database versions not stated): TOPMed 0.00209; 1000 Genomes Project 30x 0.00219; 1000 Genomes Project 0.00260.

Submission:

Illumina Laboratory Services, Illumina
Classification: Benign for Autosomal dominant pseudohypoaldosteronism type 1. Last evaluated: 2018-01-13. Review status: criteria provided, single submitter. Criteria: ICSL Variant Classification Criteria 13 December 2019. Collection method: clinical testing. Allele origin: germline.
Comment: This variant was observed in the ICSL laboratory as part of a predisposition screen in an ostensibly healthy population. It had not been previously curated by ICSL or reported in the Human Gene Mutation Database (HGMD: prior to June 1st, 2018), and was therefore a candidate for classification through an automated scoring system. Utilizing variant allele frequency, disease prevalence and penetrance estimates, and inheritance mode, an automated score was calculated to assess if this variant is too frequent to cause the disease. Based on the score and internal cut-off values, a variant classified as benign is not then subjected to further curation. The score for this variant resulted in a classification of benign for this disease.